The following is an entry in ClinVar:

NM_000548.5(TSC2):c.1912G>A (p.Val638Met)

Gene: TSC2 (TSC complex subunit 2; plus strand). Cytogenetic location: 16p13.3.
Variant type: single nucleotide variant.
Coding change: c.1912G>A on transcript NM_000548.5 (MANE Select); coding-DNA position 1912, G replaced by A.
Protein change: p.Val638Met; replaces valine 638 with methionine.
Molecular consequence: missense variant.
Genome position (GRCh38, 1-based): chr16:2,071,582, G>A. VCF-style: chr16-2071582-G-A. GRCh37 (hg19) VCF-style: chr16-2121583-G-A.
Other names: c.1912G>A (NM_000548.4); c.1912G>A, p.Val638Met (NM_001077183.3, NM_001114382.3, NM_001363528.2 and 3 more transcripts); c.1801G>A, p.Val601Met (NM_001318827.2); c.1765G>A, p.Val589Met (NM_001318829.2); c.1312G>A, p.Val438Met (NM_001318831.2); c.1945G>A, p.Val649Met (NM_001318832.2); short protein forms V638M, V438M, V589M, V649M, V601M.
Identifiers: ClinVar variation 135373 (VCV000135373.21), dbSNP rs587778730, ClinGen allele CA016199.

ClinVar aggregate classification (germline): Conflicting classifications of pathogenicity. Review status: criteria provided, conflicting classifications (1 of 4 stars). 7 submissions from 7 submitters: Uncertain significance (3); Benign (1); Likely benign (1). 2 of the submissions do not count toward it. Last evaluated 2026-01-31.

Conditions:
TSC2-related disorder. Also called: TSC2-related condition; TSC2-Related Disorders.
Hereditary cancer-predisposing syndrome. Also called: Tumor predisposition; Hereditary neoplastic syndrome; Neoplastic Syndromes, Hereditary; Hereditary Cancer Syndrome. Identifiers: Orphanet 140162, MedGen C0027672, MeSH D009386, MONDO:0015356.
Tuberous sclerosis syndrome (TSC). Also called: Tuberous sclerosis; Tuberous Sclerosis Complex. Identifiers: Orphanet 805, MedGen C0041341, MONDO:0001734.
Tuberous sclerosis 2 (TSC2). Identifiers: Orphanet 805, MedGen C1860707, MONDO:0013199, OMIM 613254.

gnomAD v4.1: 21 of 1,613,494 alleles (0.0013%); highest among the groups gnomAD compares: Non-Finnish European, 0.0017%; no homozygotes.

Submissions (7):

Labcorp Genetics (formerly Invitae), Labcorp
Classification: Benign for Tuberous sclerosis 2. Last evaluated: 2026-01-31. Review status: criteria provided, single submitter. Criteria: Invitae Variant Classification Sherloc (09022015). Collection method: clinical testing. Allele origin: germline.

Quest Diagnostics Nichols Institute San Juan Capistrano
Classification: Uncertain significance. Last evaluated: 2025-09-24. Review status: criteria provided, single submitter. Criteria: Quest Diagnostics criteria. Collection method: clinical testing. Allele origin: unknown.

All of Us Research Program, National Institutes of Health
Classification: Uncertain significance for Tuberous sclerosis syndrome. Last evaluated: 2024-06-17. Review status: criteria provided, single submitter. Criteria: ACMG Guidelines, 2015. Collection method: clinical testing. Allele origin: germline. Inheritance: Autosomal dominant inheritance. Observed: 5 variant alleles, 5 heterozygotes.
Comment: This missense variant replaces valine with methionine at codon 638 of the TSC2 protein. Computational prediction is inconclusive regarding the impact of this variant on protein structure and function (internally defined REVEL score threshold 0.5 < inconclusive < 0.7, PMID: 27666373). To our knowledge, functional studies have not been reported for this variant. This variant has not been reported in individuals affected with tuberous sclerosis complex in the literature. This variant has been identified in 2/250420 chromosomes in the general population by the Genome Aggregation Database (gnomAD). The available evidence is insufficient to determine the role of this variant in disease conclusively. Therefore, this variant is classified as a Variant of Uncertain Significance.

This study involves interpretation of variants in research participants for the purpose of population health screening. Participant phenotype was not available at the time of variant classification. Additional details can be found in publication PMID: 35346344, PMCID: PMC8962531

Ambry Genetics
Classification: Likely benign for Hereditary cancer-predisposing syndrome. Last evaluated: 2024-02-20. Review status: criteria provided, single submitter. Criteria: Ambry Variant Classification Scheme 2023. Collection method: clinical testing. Allele origin: germline.

Genome-Nilou Lab
Classification: Uncertain significance for Tuberous sclerosis 2. Last evaluated: 2021-11-07. Review status: criteria provided, single submitter. Criteria: ACMG Guidelines, 2015. Collection method: clinical testing. Allele origin: germline. Affected: no.

PreventionGenetics, part of Exact Sciences
Classification: Uncertain significance for TSC2-related condition. Last evaluated: 2024-01-19. Review status: no assertion criteria provided. Collection method: clinical testing. Allele origin: germline. Not counted in ClinVar's aggregate classification.
Comment: The TSC2 c.1912G>A variant is predicted to result in the amino acid substitution p.Val638Met. To our knowledge, this variant has not been reported in the literature. This variant is reported in 0.0018% of alleles in individuals of European (Non-Finnish) descent in gnomAD. In ClinVar, this variant is interpreted as uncertain/benign. At this time, the clinical significance of this variant is uncertain due to the absence of conclusive functional and genetic evidence.

ITMI
No classification provided. Condition: AllHighlyPenetrant. Last evaluated: 2013-09-19. Review status: no classification provided. Collection method: reference population. Allele origin: germline. Not counted in ClinVar's aggregate classification.
Comment: Please see associated publication for description of ethnicities

Literature cited by the submitters: PubMed 24728327 (cited by Ambry Genetics and ITMI).